The following is an entry in ClinVar:

ClinVar aggregate classification (germline): Uncertain significance (1 of 4 stars; one submission).

Conditions:
Cardiovascular phenotype. Identifiers: MedGen CN230736.

Allele frequency attached by ClinVar (database versions not stated): gnomAD 0.00001; 1000 Genomes Project 30x 0.00016.
gnomAD v4.1: 5 of 1,550,866 alleles (0.00032%); highest among the groups gnomAD compares: Non-Finnish European, 0.00035%; no homozygotes.

Submission:

Ambry Genetics
Classification: Uncertain significance for Cardiovascular phenotype. Last evaluated: 2021-08-10. Review status: criteria provided, single submitter. Criteria: Ambry Variant Classification Scheme 2023. Collection method: clinical testing. Allele origin: germline.
Comment: The p.R3859W variant (also known as c.11575A>T), located in coding exon 2 of the ZNF469 gene, results from an A to T substitution at nucleotide position 11575. The arginine at codon 3859 is replaced by tryptophan, an amino acid with dissimilar properties. This amino acid position is conserved. In addition, this alteration is predicted to be tolerated by in silico analysis. Since supporting evidence is limited at this time, the clinical significance of this alteration remains unclear.

NM_001367624.2(ZNF469):c.11659A>T (p.Arg3887Trp)

Gene: ZNF469 (zinc finger protein 469; plus strand). Cytogenetic location: 16q24.2.
Variant type: single nucleotide variant.
Coding change: c.11659A>T on transcript NM_001367624.2 (MANE Select); coding-DNA position 11659, A replaced by T.
Protein change: p.Arg3887Trp; replaces arginine 3887 with tryptophan.
Molecular consequence: missense variant.
Genome position (GRCh38, 1-based): chr16:88,439,129, A>T. VCF-style: chr16-88439129-A-T. GRCh37 (hg19) VCF-style: chr16-88505537-A-T.
Other names: NM_001127464.1:c.11575A>T; short protein forms R3887W.
Identifiers: ClinVar variation 1735538 (VCV001735538.2), dbSNP rs1567518052, ClinGen allele CA397130860.